The following is an entry in ClinVar:

ClinVar aggregate classification (germline): Uncertain significance (1 of 4 stars; one submission).

Submission:

GeneDx
Classification: Uncertain significance. Last evaluated: 2020-01-28. Review status: criteria provided, single submitter. Criteria: GeneDx Variant Classification Process June 2021. Collection method: clinical testing. Allele origin: germline. Affected: yes.
Comment: Not observed in large population cohorts (Lek et al., 2016); In silico analysis, which includes protein predictors and evolutionary conservation, supports a deleterious effect; Has not been previously published as pathogenic or benign to our knowledge

NM_025114.4(CEP290):c.1655T>C (p.Leu552Pro)

Gene: CEP290 (centrosomal protein 290; minus strand). Cytogenetic location: 12q21.32.
Variant type: single nucleotide variant.
Coding change: c.1655T>C on transcript NM_025114.4 (MANE Select); coding-DNA position 1655, T replaced by C.
Protein change: p.Leu552Pro; replaces leucine 552 with proline.
Molecular consequence: missense variant.
Genome position (GRCh38, 1-based): chr12:88,118,539, A>G on the plus strand (T>C on the coding strand, the complement: CEP290 is on the minus strand). VCF-style: chr12-88118539-A-G. GRCh37 (hg19) VCF-style: chr12-88512316-A-G.
Other names: short protein forms L552P.
Identifiers: ClinVar variation 1315186 (VCV001315186.2), dbSNP rs2039206485, ClinGen allele CA385978962.